The following is an entry in ClinVar:

NM_001371928.1(AHDC1):c.1006C>A (p.Pro336Thr)

Gene: AHDC1 (AT-hook DNA binding motif containing 1; minus strand). Cytogenetic location: 1p36.11.
Variant type: single nucleotide variant.
Coding change: c.1006C>A on transcript NM_001371928.1 (MANE Select); coding-DNA position 1006, C replaced by A.
Protein change: p.Pro336Thr; replaces proline 336 with threonine.
Molecular consequence: missense variant.
Genome position (GRCh38, 1-based): chr1:27,551,110, G>T on the plus strand (C>A on the coding strand, the complement: AHDC1 is on the minus strand). VCF-style: chr1-27551110-G-T. GRCh37 (hg19) VCF-style: chr1-27877621-G-T.
Other names: c.1006C>A, p.Pro336Thr (NM_001029882.3); short protein forms P336T.
Identifiers: ClinVar variation 5002956 (VCV005002956.1).

ClinVar aggregate classification (germline): Uncertain significance (1 of 4 stars; one submission).

Conditions:
AHDC1-related intellectual disability - obstructive sleep apnea - mild dysmorphism syndrome. Also called: Xia-Gibbs syndrome. Identifiers: Orphanet 412069, MedGen C4014419, MONDO:0014358, OMIM 615829.

Submission:

OLLIN Analises Genomicas, OLLIN
Classification: Uncertain significance for AHDC1-related intellectual disability - obstructive sleep apnea - mild dysmorphism syndrome. Last evaluated: 2026-08-06. Review status: criteria provided, single submitter. Criteria: ACMG Guidelines 2015 PMID 25741868. Collection method: clinical testing. Allele origin: germline. Inheritance: Autosomal dominant inheritance.
Comment: This missense variant, located in exon 8 (of 9), is absent from gnomAD and ClinVar and has not been identified in the literature. In silico analysis predicts that this variant has a tolerated effect. According to the currently available evidence, this variant has been classified as uncertain significance (PM2_P, BP4_M).